The following is an entry in ClinVar:

NM_198576.4(AGRN):c.3482T>C (p.Leu1161Pro)

Gene: AGRN (agrin; plus strand). Cytogenetic location: 1p36.33.
Variant type: single nucleotide variant.
Coding change: c.3482T>C on transcript NM_198576.4 (MANE Select); coding-DNA position 3482, T replaced by C.
Protein change: p.Leu1161Pro; replaces leucine 1161 with proline.
Molecular consequence: missense variant.
Genome position (GRCh38, 1-based): chr1:1,047,420, T>C. VCF-style: chr1-1047420-T-C. GRCh37 (hg19) VCF-style: chr1-982800-T-C.
Other names: c.3482T>C, p.Leu1161Pro (NM_001305275.2); c.3167T>C, p.Leu1056Pro (NM_001364727.2); short protein forms L1056P, L1161P.
Identifiers: ClinVar variation 3666035 (VCV003666035.2).

ClinVar aggregate classification (germline): Uncertain significance (1 of 4 stars; one submission).

Conditions:
Congenital myasthenic syndrome 8. Also called: MYASTHENIC SYNDROME, CONGENITAL, DUE TO AGRIN DEFICIENCY; Myasthenic syndrome, congenital, 8, with pre- and postsynaptic defects. Identifiers: Orphanet 590, MedGen C3808739, MONDO:0014052, OMIM 615120.

gnomAD v4.1: 4 of 1,612,662 alleles (0.00025%); highest among the groups gnomAD compares: Admixed American, 0.0033%; no homozygotes.

Submission:

Labcorp Genetics (formerly Invitae), Labcorp
Classification: Uncertain significance for Congenital myasthenic syndrome 8. Last evaluated: 2024-02-02. Review status: criteria provided, single submitter. Criteria: Invitae Variant Classification Sherloc (09022015). Collection method: clinical testing. Allele origin: germline.
Comment: This sequence change replaces leucine, which is neutral and non-polar, with proline, which is neutral and non-polar, at codon 1161 of the AGRN protein (p.Leu1161Pro). This variant is present in population databases (no rsID available, gnomAD 0.006%). This variant has not been reported in the literature in individuals affected with AGRN-related conditions. An algorithm developed to predict the effect of missense changes on protein structure and function (PolyPhen-2) suggests that this variant is likely to be disruptive. In summary, the available evidence is currently insufficient to determine the role of this variant in disease. Therefore, it has been classified as a Variant of Uncertain Significance.